The following is an entry in ClinVar:

ClinVar aggregate classification (germline): Uncertain significance (1 of 4 stars; one submission).

Conditions:
ALG1-congenital disorder of glycosylation. Also called: CDG Ik; CONGENITAL DISORDER OF GLYCOSYLATION, TYPE Ik; ALG1-CDG. Identifiers: Orphanet 79327, MedGen C2931005, MONDO:0012052, OMIM 608540.

Allele frequency attached by ClinVar (database versions not stated): ESP Exome Variant Server 0.00008.
gnomAD v4.1: 2 of 1,598,138 alleles (0.00013%); highest among the groups gnomAD compares: African/African-American, 0.0027%; no homozygotes.

Submission:

Labcorp Genetics (formerly Invitae), Labcorp
Classification: Uncertain significance for ALG1-congenital disorder of glycosylation. Last evaluated: 2022-08-07. Review status: criteria provided, single submitter. Criteria: Invitae Variant Classification Sherloc (09022015). Collection method: clinical testing. Allele origin: germline.
Comment: Variants that disrupt the consensus splice site are a relatively common cause of aberrant splicing (PMID: 17576681, 9536098). Algorithms developed to predict the effect of sequence changes on RNA splicing suggest that this variant may disrupt the consensus splice site. In summary, the available evidence is currently insufficient to determine the role of this variant in disease. Therefore, it has been classified as a Variant of Uncertain Significance. Algorithms developed to predict the effect of missense changes on protein structure and function (SIFT, PolyPhen-2, Align-GVGD) all suggest that this variant is likely to be tolerated. This missense change has been observed in individual(s) with clinical features of ALG1-related conditions (PMID: 20679665). This variant is not present in population databases (gnomAD no frequency). This sequence change replaces arginine, which is basic and polar, with leucine, which is neutral and non-polar, at codon 247 of the ALG1 protein (p.Arg247Leu). This variant also falls at the last nucleotide of exon 6, which is part of the consensus splice site for this exon.

Literature cited by the submitters: PubMed 17576681; PubMed 9536098; PubMed 20679665.

NM_019109.5(ALG1):c.740G>T (p.Arg247Leu)

Gene: ALG1 (ALG1 chitobiosyldiphosphodolichol beta-mannosyltransferase; plus strand). Cytogenetic location: 16p13.3.
Variant type: single nucleotide variant.
Coding change: c.740G>T on transcript NM_019109.5 (MANE Select); coding-DNA position 740, G replaced by T.
Protein change: p.Arg247Leu; replaces arginine 247 with leucine.
Molecular consequence: missense variant.
Genome position (GRCh38, 1-based): chr16:5,078,017, G>T. VCF-style: chr16-5078017-G-T. GRCh37 (hg19) VCF-style: chr16-5128018-G-T.
Other names: c.407G>T, p.Arg136Leu (NM_001330504.2); short protein forms R247L, R136L.
Identifiers: ClinVar variation 2183418 (VCV002183418.4), dbSNP rs138192069, ClinGen allele CA277200149.